The following is an entry in ClinVar:

ClinVar aggregate classification (germline): Conflicting classifications of pathogenicity. Review status: criteria provided, conflicting classifications (1 of 4 stars). 8 submissions from 8 submitters: Uncertain significance (5); Likely benign (3). Last evaluated 2025-11-12.

Conditions:
Cardiovascular phenotype. Identifiers: MedGen CN230736.
Long QT syndrome (LQTS). Identifiers: MedGen C0023976, MeSH D008133, MONDO:0002442. Disease mechanism: loss of function. Inheritance: Various modes of inheritance.
Cardiac arrhythmia, ankyrin-B-related. Also called: ANKYRIN-B SYNDROME. Identifiers: Orphanet 101016, Orphanet 768, MedGen C1970119, MONDO:0010958, OMIM 600919.

Allele frequency attached by ClinVar (database versions not stated): TOPMed 0.00002; ExAC 0.00003; gnomAD 0.00003 and 0.00004; gnomAD exomes 0.00003.
gnomAD v4.1: 53 of 1,613,984 alleles (0.0033%); highest among the groups gnomAD compares: Middle Eastern, 0.43%; 1 homozygote.

Submissions (8):

Labcorp Genetics (formerly Invitae), Labcorp
Classification: Uncertain significance for Long QT syndrome. Last evaluated: 2025-11-12. Review status: criteria provided, single submitter. Criteria: Invitae Variant Classification Sherloc (09022015). Collection method: clinical testing. Allele origin: germline.
Comment: This sequence change replaces threonine, which is neutral and polar, with isoleucine, which is neutral and non-polar, at codon 1612 of the ANK2 protein (p.Thr1612Ile). This variant is present in population databases (rs765274871, gnomAD 0.006%). This variant has not been reported in the literature in individuals affected with ANK2-related conditions. ClinVar contains an entry for this variant (Variation ID: 190572). Invitae Evidence Modeling of protein sequence and biophysical properties (such as structural, functional, and spatial information, amino acid conservation, physicochemical variation, residue mobility, and thermodynamic stability) indicates that this missense variant is not expected to disrupt ANK2 protein function with a negative predictive value of 80%. In summary, the available evidence is currently insufficient to determine the role of this variant in disease. Therefore, it has been classified as a Variant of Uncertain Significance.

Ambry Genetics
Classification: Likely benign for Cardiovascular phenotype. Last evaluated: 2025-07-15. Review status: criteria provided, single submitter. Criteria: Ambry Variant Classification Scheme 2023. Collection method: clinical testing. Allele origin: germline.

CeGaT Center for Human Genetics Tuebingen
Classification: Likely benign. Last evaluated: 2025-06-01. Review status: criteria provided, single submitter. Criteria: CeGaT Center For Human Genetics Tuebingen Variant Classification Criteria Version 2. Collection method: clinical testing. Allele origin: germline. Affected: yes. Observed: 1 variant allele.
Comment: ANK2: BP4

Blueprint Genetics
Classification: Likely benign. Last evaluated: 2023-12-22. Review status: criteria provided, single submitter. Criteria: ACMG Guidelines, 2015. Collection method: clinical testing. Allele origin: germline.

Fulgent Genetics
Classification: Uncertain significance for Cardiac arrhythmia, ankyrin-B-related. Last evaluated: 2021-08-19. Review status: criteria provided, single submitter. Criteria: ACMG Guidelines, 2015. Collection method: clinical testing. Allele origin: unknown.

GeneDx
Classification: Uncertain significance. Last evaluated: 2016-09-22. Review status: criteria provided, single submitter. Criteria: GeneDx Variant Classification (06012015). Collection method: clinical testing. Allele origin: germline. Affected: yes.
Comment: p.Thr1612Ile (ACT>ATT): c.4835 C>T in exon 38 in the ANK2 gene (NM_001148). The T1612I variant is a non-conservative amino acid substitution as these residues differ in polarity, charge, size and/or other properties and is more likely to impact secondary structure. The T1612I variant was not observed in approximately 6,500 individuals of European and African American ancestry in the NHLBI Exome Sequencing Project, indicating it is not a common benign variant in these populations. Nevertheless, this change occurs at a residue that is not well conserved across species. In silico analysis predicts this variant likely has a benign effect on the protein structure/function. Furthermore, no variants have been reported in nearby residues in association with cardiac arrhythmia. We interpret T1612I as a variant of unknown significance. The variant is found in ANK2 panel(s).

Genomic Diagnostic Laboratory, Division of Genomic Diagnostics, Children's Hospital of Philadelphia
Classification: Uncertain significance. Last evaluated: 2015-07-10. Review status: criteria provided, single submitter. Criteria: DGD Variant Analysis Guidelines. Collection method: clinical testing. Allele origin: unknown.

Breakthrough Genomics
Classification: Uncertain significance. Review status: criteria provided, single submitter. Criteria: ACMG Guidelines, 2015. Collection method: not provided. Allele origin: germline. Inheritance: Autosomal dominant inheritance. Affected: yes.

NM_001148.6(ANK2):c.4835C>T (p.Thr1612Ile)

Gene: ANK2 (ankyrin 2; plus strand). Cytogenetic location: 4q26.
Variant type: single nucleotide variant.
Coding change: c.4835C>T on transcript NM_001148.6 (MANE Select); coding-DNA position 4835, C replaced by T.
Protein change: p.Thr1612Ile; replaces threonine 1612 with isoleucine.
Molecular consequence: missense variant. On other transcripts: intron variant (68).
Genome position (GRCh38, 1-based): chr4:113,353,453, C>T. VCF-style: chr4-113353453-C-T. GRCh37 (hg19) VCF-style: chr4-114274609-C-T.
Other names: p.T1612I:ACT>ATT; c.4601C>T, p.Thr1534Ile (NM_001386142.1); c.1235C>T, p.Thr412Ile (NM_001386166.1); c.4976C>T, p.Thr1659Ile (NM_001386174.1); c.4952C>T, p.Thr1651Ile (NM_001386175.1); c.4411+3204C>T (NM_001386186.2, NM_001386148.2); c.4213+3204C>T (NM_001354269.3); c.4291+3204C>T (NM_001386187.2); and 36 more; short protein forms T1612I, T1534I, T1651I, T1659I, T412I.
Identifiers: ClinVar variation 190572 (VCV000190572.20), dbSNP rs765274871, ClinGen allele CA249388.